The following is an entry in ClinVar:

NM_001365951.3(KIF1B):c.3824C>T (p.Thr1275Ile)

Gene: KIF1B (kinesin family member 1B; plus strand). Cytogenetic location: 1p36.22.
Variant type: single nucleotide variant.
Coding change: c.3824C>T on transcript NM_001365951.3 (MANE Select); coding-DNA position 3824, C replaced by T.
Protein change: p.Thr1275Ile; replaces threonine 1275 with isoleucine.
Molecular consequence: missense variant.
Genome position (GRCh38, 1-based): chr1:10,347,787, C>T. VCF-style: chr1-10347787-C-T. GRCh37 (hg19) VCF-style: chr1-10407845-C-T.
Other names: c.3824C>T, p.Thr1275Ile (NM_001365952.1); c.3686C>T, p.Thr1229Ile (NM_015074.3); short protein forms T1229I, T1275I.
Identifiers: ClinVar variation 1733922 (VCV001733922.2), dbSNP rs749610931, ClinGen allele CA338343156.

ClinVar aggregate classification (germline): Uncertain significance (1 of 4 stars; one submission).

gnomAD v4.1: 1 of 1,613,286 alleles (0.000062%); highest among the groups gnomAD compares: Admixed American, 0.0017%; no homozygotes.

Submission:

Ambry Genetics
Classification: Uncertain significance. Last evaluated: 2021-12-10. Review status: criteria provided, single submitter. Criteria: Ambry Variant Classification Scheme 2023. Collection method: clinical testing. Allele origin: germline.
Comment: The p.T1229I variant (also known as c.3686C>T), located in coding exon 33 of the KIF1B gene, results from a C to T substitution at nucleotide position 3686. The threonine at codon 1229 is replaced by isoleucine, an amino acid with similar properties. This amino acid position is well conserved in available vertebrate species. In addition, this alteration is predicted to be tolerated by in silico analysis. Since supporting evidence is limited at this time, the clinical significance of this alteration remains unclear.